The following is an entry in ClinVar:

NM_000384.3(APOB):c.8143G>A (p.Glu2715Lys)

Gene: APOB (apolipoprotein B; minus strand). Cytogenetic location: 2p24.1.
Variant type: single nucleotide variant.
Coding change: c.8143G>A on transcript NM_000384.3 (MANE Select); coding-DNA position 8143, G replaced by A.
Protein change: p.Glu2715Lys; replaces glutamic acid 2715 with lysine.
Molecular consequence: missense variant.
Genome position (GRCh38, 1-based): chr2:21,008,725, C>T on the plus strand (G>A on the coding strand, the complement: APOB is on the minus strand). VCF-style: chr2-21008725-C-T. GRCh37 (hg19) VCF-style: chr2-21231597-C-T.
Other names: short protein forms E2715K.
Identifiers: ClinVar variation 4890881 (VCV004890881.1).

ClinVar aggregate classification (germline): Uncertain significance (1 of 4 stars; one submission).

Conditions:
Familial hypercholesterolemia. Also called: Familial hypercholesterolaemia; Familial hypercholesterolemias. Identifiers: MedGen C0020445, MONDO:0005439.

gnomAD v4.1: 14 of 1,614,066 alleles (0.00087%); highest among the groups gnomAD compares: Non-Finnish European, 0.0012%; no homozygotes.

Submission:

Cambridge Genomics Laboratory, East Genomic Laboratory Hub, NHS Genomic Medicine Service
Classification: Uncertain significance for Familial hypercholesterolaemia. Last evaluated: 2026-09-04. Review status: criteria provided, single submitter. Criteria: ACGS Best Practice Guidelines for Variant Classification in Rare Disease 2020. Collection method: clinical testing. Allele origin: germline. Affected: yes.
Comment: PM2_Supporting,PP4